The following is an entry in ClinVar:

NM_004036.5(ADCY3):c.2431G>A (p.Asp811Asn)

Gene: ADCY3 (adenylate cyclase 3; minus strand). Cytogenetic location: 2p23.3.
Variant type: single nucleotide variant.
Coding change: c.2431G>A on transcript NM_004036.5 (MANE Select); coding-DNA position 2431, G replaced by A.
Protein change: p.Asp811Asn; replaces aspartic acid 811 with asparagine.
Molecular consequence: missense variant. On other transcripts: intron variant (1).
Genome position (GRCh38, 1-based): chr2:24,827,903, C>T on the plus strand (G>A on the coding strand, the complement: ADCY3 is on the minus strand). VCF-style: chr2-24827903-C-T. GRCh37 (hg19) VCF-style: chr2-25050772-C-T.
Other names: c.2431G>A, p.Asp811Asn (NM_001320613.2, NM_001377132.1); c.2497G>A, p.Asp833Asn (NM_001377128.1); c.2293G>A, p.Asp765Asn (NM_001377129.1); c.1708G>A, p.Asp570Asn (NM_001377131.1); c.2172+2806G>A (NM_001377130.1); short protein forms D570N, D765N, D833N, D811N.
Identifiers: ClinVar variation 4979434 (VCV004979434.1).
Genomic context (GRCh38, chr2:24,827,903, plus strand): 5'-AGGACTTTGCGGGCGGGAGGAAGGAGACAATACAGATCCCCAGTCACGCTTCATCTTACT[C>T]GTGCTCCCGAAAACGCTTGTGGTCGTATTCATCAAAGACGGGACGCCAGGCATAGAGGTT-3'
Protein context (NP_004027.2, residues 801-821): EYDHKRFREH[Asp811Asn]LPMVALEQMQ

ClinVar aggregate classification (germline): Uncertain significance (1 of 4 stars; one submission).

Conditions:
ADCY3-related disorder. Also called: ADCY3-related condition.

gnomAD v4.1: 65 of 1,613,904 alleles (0.004%); highest among the groups gnomAD compares: East Asian, 0.089%; no homozygotes.

Submission:

PreventionGenetics, part of Exact Sciences
Classification: Uncertain significance for ADCY3-related condition. Last evaluated: 2026-03-14. Review status: criteria provided, single submitter. Criteria: ACMG Guidelines, 2015. Collection method: clinical testing. Allele origin: germline.
Comment: The ADCY3 c.2431G>A variant is predicted to result in the amino acid substitution p.Asp811Asn. To our knowledge, this variant has not been reported in the literature. This variant is reported in 0.035% of alleles in individuals of East Asian descent in gnomAD. At this time, the clinical significance of this variant is uncertain due to the absence of conclusive functional and genetic evidence.